The following is an entry in ClinVar:

ClinVar aggregate classification (germline): Benign/Likely benign. Review status: criteria provided, multiple submitters, no conflicts (2 of 4 stars). 12 submissions from 12 submitters: Benign (6); Likely benign (3). 3 of the submissions do not count toward it. Last evaluated 2026-02-04.

Conditions:
Inborn genetic diseases. Identifiers: MedGen C0950123, MeSH D030342.
Developmental and epileptic encephalopathy, 9 (DEE9). Also called: EPILEPSY, FEMALE-RESTRICTED, WITH MENTAL RETARDATION; Early infantile epileptic encephalopathy 9; PCDH19-Related X-Linked Female-Limited Epilepsy with Mental Retardation; JUBERG-HELLMAN SYNDROME. Identifiers: Orphanet 101039, Orphanet 2076, MedGen C1848137, MONDO:0010246, OMIM 300088. Disease mechanism: loss of function.

Allele frequency attached by ClinVar (database versions not stated): 1000 Genomes Project 0.00212; 1000 Genomes Project 30x 0.00250; gnomAD 0.00272 and 0.00274; ExAC 0.00281; gnomAD exomes 0.00285 and 0.00330; TOPMed 0.00352; ESP Exome Variant Server 0.00377.
gnomAD v4.1: 3,962 of 1,210,006 alleles (0.33%); highest among the groups gnomAD compares: Middle Eastern, 0.44%; 8 homozygotes.

Submissions (12):

Labcorp Genetics (formerly Invitae), Labcorp
Classification: Benign for Developmental and epileptic encephalopathy, 9. Last evaluated: 2026-02-04. Review status: criteria provided, single submitter. Criteria: Invitae Variant Classification Sherloc (09022015). Collection method: clinical testing. Allele origin: germline.

Athena Diagnostics
Classification: Benign. Last evaluated: 2025-02-27. Review status: criteria provided, single submitter. Criteria: Athena Diagnostics Criteria. Collection method: clinical testing. Allele origin: unknown.
Comment: The frequency of this variant in the general population is higher than would generally be expected for pathogenic variants in this gene.

ARUP Laboratories, Molecular Genetics and Genomics, ARUP Laboratories
Classification: Benign for Developmental and epileptic encephalopathy, 9. Last evaluated: 2025-01-17. Review status: criteria provided, single submitter. Criteria: ARUP Molecular Germline Variant Investigation Process 2024. Collection method: clinical testing. Allele origin: germline.

Blueprint Genetics
Classification: Likely benign. Last evaluated: 2024-11-08. Review status: criteria provided, single submitter. Criteria: ACMG Guidelines, 2015. Collection method: clinical testing. Allele origin: germline.

CeGaT Center for Human Genetics Tuebingen
Classification: Likely benign. Last evaluated: 2021-07-01. Review status: criteria provided, single submitter. Criteria: CeGaT Center For Human Genetics Tuebingen Variant Classification Criteria Version 2. Collection method: clinical testing. Allele origin: germline. Affected: yes. Observed: 5 variant alleles.

Mayo Clinic Laboratories, Mayo Clinic
Classification: Benign. Last evaluated: 2019-11-21. Review status: criteria provided, single submitter. Criteria: ACMG Guidelines, 2015. Collection method: clinical testing. Allele origin: germline. Observed: 3 variant alleles.

Ambry Genetics
Classification: Likely benign for Inborn genetic diseases. Last evaluated: 2016-06-27. Review status: criteria provided, single submitter. Criteria: Ambry Variant Classification Scheme 2023. Collection method: clinical testing. Allele origin: germline.

GeneDx
Classification: Benign. Last evaluated: 2013-10-01. Review status: criteria provided, single submitter. Criteria: GeneDx Variant Classification (06012015). Collection method: clinical testing. Allele origin: germline. Affected: yes.
Comment: This variant is considered likely benign or benign based on one or more of the following criteria: it is a conservative change, it occurs at a poorly conserved position in the protein, it is predicted to be benign by multiple in silico algorithms, and/or has population frequency not consistent with disease.

Eurofins Ntd Llc (ga)
Classification: Benign. Last evaluated: 2013-04-16. Review status: criteria provided, single submitter. Criteria: EGL Classification Definitions 2015. Collection method: clinical testing. Allele origin: germline. Observed: 1 variant allele, 1 heterozygote.

Genetic Services Laboratory, University of Chicago
Classification: Benign for Developmental and epileptic encephalopathy, 9. Last evaluated: 2016-05-05. Review status: no assertion criteria provided. Collection method: clinical testing. Allele origin: germline. Affected: yes. Not counted in ClinVar's aggregate classification.

Clinical Genetics DNA and cytogenetics Diagnostics Lab, Erasmus MC, Erasmus Medical Center
Classification: Likely benign. Review status: no assertion criteria provided. Collection method: clinical testing. Allele origin: germline. Affected: yes. Study: VKGL Data-share Consensus. Not counted in ClinVar's aggregate classification.

Genome Diagnostics Laboratory, University Medical Center Utrecht
Classification: Likely benign. Review status: no assertion criteria provided. Collection method: clinical testing. Allele origin: germline. Affected: yes. Study: VKGL Data-share Consensus. Not counted in ClinVar's aggregate classification.

Literature cited by the submitters: PubMed 19752159 (cited by Athena Diagnostics).

NM_001184880.2(PCDH19):c.1683G>A (p.Pro561=)

Gene: PCDH19 (protocadherin 19; minus strand). Cytogenetic location: Xq22.1.
Variant type: single nucleotide variant.
Coding change: c.1683G>A on transcript NM_001184880.2 (MANE Select); coding-DNA position 1683, G replaced by A.
Protein change: p.Pro561=; no amino-acid change (proline 561 retained).
Molecular consequence: synonymous variant.
Genome position (GRCh38, 1-based): chrX:100,406,915, C>T on the plus strand (G>A on the coding strand, the complement: PCDH19 is on the minus strand). VCF-style: chrX-100406915-C-T. GRCh37 (hg19) VCF-style: chrX-99661913-C-T.
Other names: p.P561P:CCG>CCA; p.Pro561=; c.1683G>A, p.Pro561= (NM_001105243.2, NM_020766.3).
Identifiers: ClinVar variation 93672 (VCV000093672.77), dbSNP rs192354176, ClinGen allele CA147195.